The following is an entry in ClinVar:

ClinVar aggregate classification (germline): Uncertain significance (1 of 4 stars; one submission).

Conditions:
Cardiovascular phenotype. Identifiers: MedGen CN230736.

Submission:

Ambry Genetics
Classification: Uncertain significance for Cardiovascular phenotype. Last evaluated: 2021-11-29. Review status: criteria provided, single submitter. Criteria: Ambry Variant Classification Scheme 2023. Collection method: clinical testing. Allele origin: germline.
Comment: The p.A261D variant (also known as c.782C>A), located in coding exon 6 of the ACVRL1 gene, results from a C to A substitution at nucleotide position 782. The alanine at codon 261 is replaced by aspartic acid, an amino acid with dissimilar properties. The variant destabilizes the structure significantly more than known pathogenic variants in the region (Hof P et al. Cell, 1998 Feb;92:441-50). This amino acid position is highly conserved in available vertebrate species. In addition, this alteration is predicted to be deleterious by in silico analysis. Since supporting evidence is limited at this time, the clinical significance of this alteration remains unclear.

Literature cited by the submitters: PubMed 9491886.

NM_000020.3(ACVRL1):c.782C>A (p.Ala261Asp)

Gene: ACVRL1 (activin A receptor like type 1; plus strand). Cytogenetic location: 12q13.13.
Variant type: single nucleotide variant.
Coding change: c.782C>A on transcript NM_000020.3 (MANE Select); coding-DNA position 782, C replaced by A.
Protein change: p.Ala261Asp; replaces alanine 261 with aspartic acid.
Molecular consequence: missense variant.
Genome position (GRCh38, 1-based): chr12:51,915,234, C>A. VCF-style: chr12-51915234-C-A. GRCh37 (hg19) VCF-style: chr12-52309018-C-A.
Other names: c.782C>A, p.Ala261Asp (NM_001077401.2, NM_001406487.1, NM_001406488.1 and 1 more transcripts); c.470C>A, p.Ala157Asp (NM_001406490.1, NM_001406491.1, NM_001406492.1 and 2 more transcripts); c.218C>A, p.Ala73Asp (NM_001406495.1); short protein forms A157D, A73D, A261D.
Identifiers: ClinVar variation 1760796 (VCV001760796.2), dbSNP rs2540164060, ClinGen allele CA384900308.